The following is an entry in ClinVar:

NM_002615.7(SERPINF1):c.820ATC[1] (p.Ile275del)

Gene: SERPINF1 (serpin family F member 1; plus strand). Cytogenetic location: 17p13.3.
Variant type: Microsatellite.
Coding change: c.820ATC[1] on transcript NM_002615.7 (MANE Select); one copy of the 3-base unit ATC starting at c.820; the reference has two copies in a row; one copy, 3 bases deleted.
Protein change: p.Ile275del; deletes isoleucine 275.
Molecular consequence: inframe deletion.
Genome position (GRCh38, 1-based): chr17:1,776,568-1,776,570, ATC deleted; deleting any 3 consecutive bases within chr17:1,776,565-1,776,570 gives the same sequence; the position shown is the placement nearest the transcript's 3' end. VCF-style (leftmost placement, unchanged base first): chr17-1776564-TATC-T. GRCh37 (hg19) VCF-style: chr17-1679858-TATC-T.
Other names: c.820ATC[1], p.Ile275del (NM_001329903.2); c.259ATC[1], p.Ile88del (NM_001329904.2, NM_001329905.2); short protein forms I88del, I275del.
Identifiers: ClinVar variation 1510090 (VCV001510090.6), dbSNP rs2151212795, ClinGen allele CA2580613957.
Genomic context (GRCh38, chr17:1,776,564, plus strand): 5'-TAACCACATGCTTTCTCACTTGTCTCAGATTGCCCAGCTGCCCTTGACCGGAAGCATGAG[TATC>T]ATCTTCTTCCTGCCCCTGAAAGTGACCCAGAATTTGACCTTGATAGAGGAGAGCCTCACC-3'

ClinVar aggregate classification (germline): Uncertain significance (1 of 4 stars; one submission).

Submission:

Labcorp Genetics (formerly Invitae), Labcorp
Classification: Uncertain significance. Last evaluated: 2021-08-03. Review status: criteria provided, single submitter. Criteria: Invitae Variant Classification Sherloc (09022015). Collection method: clinical testing. Allele origin: germline.
Comment: In summary, the available evidence is currently insufficient to determine the role of this variant in disease. Therefore, it has been classified as a Variant of Uncertain Significance. Experimental studies and prediction algorithms are not available or were not evaluated, and the functional significance of this variant is currently unknown. This variant has not been reported in the literature in individuals affected with SERPINF1-related conditions. This variant is not present in population databases (ExAC no frequency). This variant, c.823_825del, results in the deletion of 1 amino acid(s) of the SERPINF1 protein (p.Ile275del), but otherwise preserves the integrity of the reading frame.